The following is an entry in ClinVar:

NM_032119.4(ADGRV1):c.17303_17315del (p.Gly5768fs)

Gene: ADGRV1 (adhesion G protein-coupled receptor V1; plus strand). Cytogenetic location: 5q14.3.
Variant type: Deletion.
Coding change: c.17303_17315del on transcript NM_032119.4 (MANE Select); coding-DNA positions 17303 to 17315, 13 bases deleted (GAGATTACATTCG).
Protein change: p.Gly5768fs; shifts the reading frame from glycine 5768.
Genome position (GRCh38, 1-based): chr5:90,853,382-90,853,394, GAGATTACATTCG deleted; deleting any 13 consecutive bases within chr5:90,853,381-90,853,394 gives the same sequence; the c. name uses the placement nearest the transcript's 3' end. VCF-style (leftmost placement, unchanged base first): chr5-90853380-AGGAGATTACATTC-A. GRCh37 (hg19) VCF-style: chr5-90149197-AGGAGATTACATTC-A.
Other names: c.17303_17315delGAGATTACATTCG (NM_032119.3); short protein forms G5768fs.
Identifiers: ClinVar variation 179121 (VCV000179121.12), dbSNP rs727504644, ClinGen allele CA273583.

ClinVar aggregate classification (germline): Pathogenic/Likely pathogenic. Review status: criteria provided, multiple submitters, no conflicts (2 of 4 stars). 4 submissions from 4 submitters: Pathogenic (2); Likely pathogenic (2). Last evaluated 2024-01-02.

Conditions:
Rare genetic deafness. Identifiers: Orphanet 96210, MedGen C5680250.
Febrile seizures, familial, 4 (FEB4). Also called: CONVULSIONS, FAMILIAL FEBRILE, 4. Identifiers: MedGen C1858493, MONDO:0011443, OMIM 604352.
Usher syndrome type 2C. Also called: Usher syndrome, type 2B; USHER SYNDROME, TYPE IIC. Identifiers: Orphanet 231178, Orphanet 886, MedGen C2931213, MONDO:0011558, OMIM 605472.

Submissions (4):

Fulgent Genetics
Classification: Likely pathogenic for Febrile seizures, familial, 4; Usher syndrome type 2C. Last evaluated: 2024-01-02. Review status: criteria provided, single submitter. Criteria: ACMG Guidelines, 2015. Collection method: clinical testing. Allele origin: germline.

Labcorp Genetics (formerly Invitae), Labcorp
Classification: Pathogenic. Last evaluated: 2023-12-30. Review status: criteria provided, single submitter. Criteria: Invitae Variant Classification Sherloc (09022015). Collection method: clinical testing. Allele origin: germline.
Comment: This sequence change creates a premature translational stop signal (p.Gly5768Glufs*14) in the ADGRV1 gene. It is expected to result in an absent or disrupted protein product. Loss-of-function variants in ADGRV1 are known to be pathogenic (PMID: 19357117, 22135276, 22147658, 26226137, 30718709, 31047384, 32467589). This variant is present in population databases (rs727504644, gnomAD 0.0009%). This premature translational stop signal has been observed in individual(s) with epilepsy (PMID: 32146541). ClinVar contains an entry for this variant (Variation ID: 179121). For these reasons, this variant has been classified as Pathogenic.

GeneDx
Classification: Likely pathogenic. Last evaluated: 2019-01-04. Review status: criteria provided, single submitter. Criteria: GeneDx Variant Classification (06012015). Collection method: clinical testing. Allele origin: germline. Affected: yes.
Comment: The c.17303_17315del13 likely pathogenic variant in the ADGRV1 gene causes a frameshift starting with codon Glycine 5768, changes this amino acid to a Glutamic Acide residue and creates a premature Stop codon at position 14 of the new reading frame, denoted p.Gly5768GlufsX14. This likely pathogenic variant is predicted to cause loss of normal protein function either through protein truncation or nonsense-mediated mRNA decay. This variant has not been previously reported to our knowledge. The c.17303_17315del13 variant has not been observed at a significant frequency in large population cohorts (Lek et al., 2016). In summary, we classify this variant as likely pathogenic.

Laboratory for Molecular Medicine, Mass General Brigham Personalized Medicine
Classification: Pathogenic for Rare genetic deafness. Last evaluated: 2013-10-11. Review status: criteria provided, single submitter. Criteria: LMM Criteria. Collection method: clinical testing. Allele origin: germline. Inheritance: Autosomal recessive inheritance. Observed: 1 variant allele.
Comment: The Gly5768fs variant in GPR98 has not been reported in any individuals with hea ring loss or in large population studies. This frameshift variant is predicted t o alter the protein?s amino acid sequence beginning at position 5768 and lead to a premature termination codon 14 amino acids downstream. This alteration is the n predicted to lead to a truncated or absent protein. In summary, this variant m eets our criteria to be classified as pathogenic .

Literature cited by the submitters: PubMed 19357117 (cited by Labcorp Genetics (formerly Invitae), Labcorp); PubMed 22135276 (cited by Labcorp Genetics (formerly Invitae), Labcorp); PubMed 22147658 (cited by Labcorp Genetics (formerly Invitae), Labcorp); PubMed 26226137 (cited by Labcorp Genetics (formerly Invitae), Labcorp); PubMed 30718709 (cited by Labcorp Genetics (formerly Invitae), Labcorp); PubMed 31047384 (cited by Labcorp Genetics (formerly Invitae), Labcorp); PubMed 32467589 (cited by Labcorp Genetics (formerly Invitae), Labcorp); PubMed 32146541 (cited by Labcorp Genetics (formerly Invitae), Labcorp).